The following is an entry in ClinVar:

NM_019594.4(LRRC8A):c.1619T>C (p.Leu540Pro)

Gene: LRRC8A (leucine rich repeat containing 8 VRAC subunit A; plus strand). Cytogenetic location: 9q34.11.
Variant type: single nucleotide variant.
Coding change: c.1619T>C on transcript NM_019594.4 (MANE Select); coding-DNA position 1619, T replaced by C.
Protein change: p.Leu540Pro; replaces leucine 540 with proline.
Molecular consequence: missense variant.
Genome position (GRCh38, 1-based): chr9:128,908,783, T>C. VCF-style: chr9-128908783-T-C. GRCh37 (hg19) VCF-style: chr9-131671062-T-C.
Other names: c.1619T>C, p.Leu540Pro (NM_001127244.2, NM_001127245.2); short protein forms L540P.
Identifiers: ClinVar variation 1718403 (VCV001718403.5), dbSNP rs2491879716, ClinGen allele CA375083224.
Genomic context (GRCh38, chr9:128,908,783, plus strand): 5'-AGCTGCACCTGACGGGCAACCTGAGCGCGGAGAACAACCGCTACATCGTCATCGACGGGC[T>C]GCGGGAGCTCAAACGCCTCAAGGTGCTGCGGCTCAAGAGCAACCTAAGCAAGCTGCCACA-3'
Protein context (NP_062540.2, residues 530-550): ENNRYIVIDG[Leu540Pro]RELKRLKVLR

ClinVar aggregate classification (germline): Uncertain significance (1 of 4 stars; one submission).

Submission:

Labcorp Genetics (formerly Invitae), Labcorp
Classification: Uncertain significance. Last evaluated: 2022-07-19. Review status: criteria provided, single submitter. Criteria: Invitae Variant Classification Sherloc (09022015). Collection method: clinical testing. Allele origin: germline.
Comment: This variant is not present in population databases (gnomAD no frequency). This sequence change replaces leucine, which is neutral and non-polar, with proline, which is neutral and non-polar, at codon 540 of the LRRC8A protein (p.Leu540Pro). This variant has not been reported in the literature in individuals affected with LRRC8A-related conditions. In summary, the available evidence is currently insufficient to determine the role of this variant in disease. Therefore, it has been classified as a Variant of Uncertain Significance. Algorithms developed to predict the effect of missense changes on protein structure and function (SIFT, PolyPhen-2, Align-GVGD) all suggest that this variant is likely to be disruptive.